The following is an entry in ClinVar:

NM_004655.4(AXIN2):c.496A>G (p.Ile166Val)

Gene: AXIN2 (axin 2; minus strand). Cytogenetic location: 17q24.1.
Variant type: single nucleotide variant.
Coding change: c.496A>G on transcript NM_004655.4 (MANE Select); coding-DNA position 496, A replaced by G.
Protein change: p.Ile166Val; replaces isoleucine 166 with valine.
Molecular consequence: missense variant.
Genome position (GRCh38, 1-based): chr17:65,558,125, T>C on the plus strand (A>G on the coding strand, the complement: AXIN2 is on the minus strand). VCF-style: chr17-65558125-T-C. GRCh37 (hg19) VCF-style: chr17-63554243-T-C.
Other names: c.496A>G, p.Ile166Val (NM_001363813.1); short protein forms I166V.
Identifiers: ClinVar variation 941685 (VCV000941685.10), dbSNP rs2044299900, ClinGen allele CA400681168.

ClinVar aggregate classification (germline): Conflicting classifications of pathogenicity. Review status: criteria provided, conflicting classifications (1 of 4 stars). 2 submissions from 2 submitters: Uncertain significance (1); Likely benign (1). Last evaluated 2026-08-10.

Conditions:
Hereditary cancer-predisposing syndrome. Also called: Neoplastic Syndromes, Hereditary; Hereditary Cancer Syndrome; Tumor predisposition; Hereditary neoplastic syndrome. Identifiers: Orphanet 140162, MedGen C0027672, MeSH D009386, MONDO:0015356.
Oligodontia-cancer predisposition syndrome. Also called: TOOTH AGENESIS-COLORECTAL CANCER SYNDROME. Identifiers: Orphanet 300576, MedGen C1837750, MONDO:0012075, OMIM 608615. Disease mechanism: loss of function.

Allele frequency attached by ClinVar (database versions not stated): gnomAD exomes below 0.00001.
gnomAD v4.1: 2 of 1,614,174 alleles (0.00012%); highest among the groups gnomAD compares: Non-Finnish European, 0.00017%; no homozygotes.

Submissions (2):

Ambry Genetics
Classification: Likely benign for Hereditary cancer-predisposing syndrome. Last evaluated: 2026-08-10. Review status: criteria provided, single submitter. Criteria: Ambry Variant Classification Scheme 2023. Collection method: clinical testing. Allele origin: germline.

Labcorp Genetics (formerly Invitae), Labcorp
Classification: Uncertain significance for Oligodontia-cancer predisposition syndrome. Last evaluated: 2019-10-18. Review status: criteria provided, single submitter. Criteria: Invitae Variant Classification Sherloc (09022015). Collection method: clinical testing. Allele origin: germline.
Comment: In summary, the available evidence is currently insufficient to determine the role of this variant in disease. Therefore, it has been classified as a Variant of Uncertain Significance. Algorithms developed to predict the effect of sequence changes on RNA splicing suggest that this variant may create or strengthen a splice site, but this prediction has not been confirmed by published transcriptional studies. Algorithms developed to predict the effect of missense changes on protein structure and function (SIFT, PolyPhen-2, Align-GVGD) all suggest that this variant is likely to be tolerated, but these predictions have not been confirmed by published functional studies and their clinical significance is uncertain. This variant has not been reported in the literature in individuals with AXIN2-related conditions. This variant is not present in population databases (ExAC no frequency). This sequence change replaces isoleucine with valine at codon 166 of the AXIN2 protein (p.Ile166Val). The isoleucine residue is highly conserved and there is a small physicochemical difference between isoleucine and valine.